The following is an entry in ClinVar:

ClinVar aggregate classification (germline): Uncertain significance. Review status: criteria provided, multiple submitters, no conflicts (2 of 4 stars). 2 submissions from 2 submitters: Uncertain significance (2). Last evaluated 2023-04-25.

Conditions:
Inborn genetic diseases. Identifiers: MedGen C0950123, MeSH D030342.
Ehlers-Danlos syndrome, musculocontractural type 2 (EDSMC2). Identifiers: Orphanet 2953, MedGen C3809845, MONDO:0014236, OMIM 615539.

Allele frequency attached by ClinVar (database versions not stated): gnomAD exomes 0.00001.

Submissions (2):

Ambry Genetics
Classification: Uncertain significance for Inborn genetic diseases. Last evaluated: 2023-04-25. Review status: criteria provided, single submitter. Criteria: Ambry Variant Classification Scheme 2023. Collection method: clinical testing. Allele origin: germline.

Labcorp Genetics (formerly Invitae), Labcorp
Classification: Uncertain significance for Ehlers-Danlos syndrome, musculocontractural type 2. Last evaluated: 2022-06-12. Review status: criteria provided, single submitter. Criteria: Invitae Variant Classification Sherloc (09022015). Collection method: clinical testing. Allele origin: germline.
Comment: In summary, the available evidence is currently insufficient to determine the role of this variant in disease. Therefore, it has been classified as a Variant of Uncertain Significance. Algorithms developed to predict the effect of missense changes on protein structure and function are either unavailable or do not agree on the potential impact of this missense change (SIFT: "Not Available"; PolyPhen-2: "Possibly Damaging"; Align-GVGD: "Not Available"). This variant has not been reported in the literature in individuals affected with DSE-related conditions. This variant is present in population databases (no rsID available, gnomAD 0.0009%). This sequence change replaces glutamine, which is neutral and polar, with histidine, which is basic and polar, at codon 57 of the DSE protein (p.Gln57His).

NM_013352.4(DSE):c.171G>T (p.Gln57His)

Gene: DSE (dermatan sulfate epimerase; plus strand). Cytogenetic location: 6q22.1.
Variant type: single nucleotide variant.
Coding change: c.171G>T on transcript NM_013352.4 (MANE Select); coding-DNA position 171, G replaced by T.
Protein change: p.Gln57His; replaces glutamine 57 with histidine.
Molecular consequence: missense variant. On other transcripts: 5 prime UTR variant (4), non-coding transcript variant (1).
Genome position (GRCh38, 1-based): chr6:116,399,421, G>T. VCF-style: chr6-116399421-G-T. GRCh37 (hg19) VCF-style: chr6-116720584-G-T.
Other names: c.171G>T (NM_013352.2); c.171G>T, p.Gln57His (NM_001080976.3, NM_001322937.2, NM_001322938.2 and 3 more transcripts); c.228G>T, p.Gln76His (NM_001322939.2); c.-387G>T (NM_001322940.2, NM_001322941.2); c.-730G>T (NM_001374520.1); c.-417G>T (NM_001374521.1); short protein forms Q57H, Q76H.
Identifiers: ClinVar variation 2145164 (VCV002145164.6), dbSNP rs1192562342, ClinGen allele CA365534209.